The following is an entry in ClinVar:

ClinVar aggregate classification (germline): Uncertain significance. Review status: criteria provided, multiple submitters, no conflicts (2 of 4 stars). 2 submissions from 2 submitters: Uncertain significance (2). Last evaluated 2024-08-07.

Conditions:
Inborn genetic diseases. Identifiers: MedGen C0950123, MeSH D030342.
Leukocyte adhesion deficiency 1 (LAD1). Also called: LEUKOCYTE ADHESION DEFICIENCY, TYPE I; LAD 1; Lymphocyte function-associated antigen 1 immunodeficiency; LFA 1 immunodeficiency. Identifiers: Orphanet 2968, Orphanet 99842, MedGen C0398738, MONDO:0007293, OMIM 116920.

Allele frequency attached by ClinVar (database versions not stated): gnomAD 0.00001; TOPMed 0.00002; ExAC 0.00003.

Submissions (2):

Ambry Genetics
Classification: Uncertain significance for Inborn genetic diseases. Last evaluated: 2024-08-07. Review status: criteria provided, single submitter. Criteria: Ambry Variant Classification Scheme 2023. Collection method: clinical testing. Allele origin: germline.

Labcorp Genetics (formerly Invitae), Labcorp
Classification: Uncertain significance for Leukocyte adhesion deficiency 1. Last evaluated: 2022-07-15. Review status: criteria provided, single submitter. Criteria: Invitae Variant Classification Sherloc (09022015). Collection method: clinical testing. Allele origin: germline.
Comment: This variant has not been reported in the literature in individuals affected with ITGB2-related conditions. In summary, the available evidence is currently insufficient to determine the role of this variant in disease. Therefore, it has been classified as a Variant of Uncertain Significance. Algorithms developed to predict the effect of missense changes on protein structure and function (SIFT, PolyPhen-2, Align-GVGD) all suggest that this variant is likely to be tolerated. The frequency data for this variant in the population databases is considered unreliable, as metrics indicate poor data quality at this position in the gnomAD database. This sequence change replaces leucine, which is neutral and non-polar, with phenylalanine, which is neutral and non-polar, at codon 556 of the ITGB2 protein (p.Leu556Phe).

NM_000211.5(ITGB2):c.1666C>T (p.Leu556Phe)

Gene: ITGB2 (integrin subunit beta 2; minus strand). Cytogenetic location: 21q22.3.
Variant type: single nucleotide variant.
Coding change: c.1666C>T on transcript NM_000211.5 (MANE Select); coding-DNA position 1666, C replaced by T.
Protein change: p.Leu556Phe; replaces leucine 556 with phenylalanine.
Molecular consequence: missense variant.
Genome position (GRCh38, 1-based): chr21:44,889,487, G>A on the plus strand (C>T on the coding strand, the complement: ITGB2 is on the minus strand). VCF-style: chr21-44889487-G-A. GRCh37 (hg19) VCF-style: chr21-46309402-G-A.
Other names: c.1666C>T, p.Leu556Phe (NM_001127491.3); c.1459C>T, p.Leu487Phe (NM_001303238.2); short protein forms L487F, L556F.
Identifiers: ClinVar variation 2180857 (VCV002180857.3), dbSNP rs746349880, ClinGen allele CA10062735.